The following is an entry in ClinVar:

NM_003334.4(UBA1):c.2646+11T>C

Gene: UBA1 (ubiquitin like modifier activating enzyme 1; plus strand). Cytogenetic location: Xp11.3.
Variant type: single nucleotide variant.
Coding change: c.2646+11T>C on transcript NM_003334.4 (MANE Select); 11 bases into the intron after coding-DNA position 2646, T replaced by C.
Molecular consequence: intron variant.
Genome position (GRCh38, 1-based): chrX:47,212,874, T>C. VCF-style: chrX-47212874-T-C. GRCh37 (hg19) VCF-style: chrX-47072273-T-C.
Other names: c.2646+11T>C (NM_153280.3).
Identifiers: ClinVar variation 914299 (VCV000914299.12), dbSNP rs367788670, ClinGen allele CA10396164.

ClinVar aggregate classification (germline): Benign/Likely benign. Review status: criteria provided, multiple submitters, no conflicts (2 of 4 stars). 3 submissions from 3 submitters: Benign (1); Likely benign (2). Last evaluated 2025-07-09.

Conditions:
Infantile-onset X-linked spinal muscular atrophy. Also called: SPINAL MUSCULAR ATROPHY, X-LINKED LETHAL INFANTILE; Spinal muscular atrophy, X-linked 2; AMC, DISTAL, X-LINKED; ARTHROGRYPOSIS, X-LINKED, TYPE I; Spinal Muscular Atrophy, X-Linked Infantile. Identifiers: Orphanet 1145, MedGen C1844934, MONDO:0010532, OMIM 301830.

Allele frequency attached by ClinVar (database versions not stated): TOPMed 0.00003.
gnomAD v4.1: 35 of 1,208,266 alleles (0.0029%); highest among the groups gnomAD compares: Non-Finnish European, 0.0037%; no homozygotes.

Submissions (3):

Labcorp Genetics (formerly Invitae), Labcorp
Classification: Likely benign for Infantile-onset X-linked spinal muscular atrophy. Last evaluated: 2025-07-09. Review status: criteria provided, single submitter. Criteria: Invitae Variant Classification Sherloc (09022015). Collection method: clinical testing. Allele origin: germline.

Blueprint Genetics
Classification: Likely benign. Last evaluated: 2023-03-03. Review status: criteria provided, single submitter. Criteria: ACMG Guidelines, 2015. Collection method: clinical testing. Allele origin: germline.

Illumina Laboratory Services, Illumina
Classification: Benign for Infantile-onset X-linked spinal muscular atrophy. Last evaluated: 2018-01-13. Review status: criteria provided, single submitter. Criteria: ICSL Variant Classification Criteria 13 December 2019. Collection method: clinical testing. Allele origin: germline.
Comment: This variant was observed in the ICSL laboratory as part of a predisposition screen in an ostensibly healthy population. It had not been previously curated by ICSL or reported in the Human Gene Mutation Database (HGMD: prior to June 1st, 2018), and was therefore a candidate for classification through an automated scoring system. Utilizing variant allele frequency, disease prevalence and penetrance estimates, and inheritance mode, an automated score was calculated to assess if this variant is too frequent to cause the disease. Based on the score and internal cut-off values, a variant classified as benign is not then subjected to further curation. The score for this variant resulted in a classification of benign for this disease.